The following is an entry in ClinVar:

ClinVar aggregate classification (germline): Uncertain significance (1 of 4 stars; one submission).

Conditions:
PURA-related severe neonatal hypotonia-seizures-encephalopathy syndrome (NEDRIHF). Also called: PURA-Related Neurodevelopmental Disorders; NEURODEVELOPMENTAL DISORDER WITH NEONATAL RESPIRATORY INSUFFICIENCY, HYPOTONIA, AND FEEDING DIFFICULTIES. Identifiers: Orphanet 438213, Orphanet 438216, MedGen C4015357, MONDO:1060108, OMIM 616158, MONDO:0018580.

Submission:

Labcorp Genetics (formerly Invitae), Labcorp
Classification: Uncertain significance for PURA-related severe neonatal hypotonia-seizures-encephalopathy syndrome. Last evaluated: 2022-05-15. Review status: criteria provided, single submitter. Criteria: Invitae Variant Classification Sherloc (09022015). Collection method: clinical testing. Allele origin: germline.
Comment: This sequence change affects codon 2 of the PURA mRNA. It is a 'silent' change, meaning that it does not change the encoded amino acid sequence of the PURA protein. This variant is not present in population databases (gnomAD no frequency). This variant has not been reported in the literature in individuals affected with PURA-related conditions. Experimental studies and prediction algorithms are not available or were not evaluated, and the effect of this variant on mRNA splicing is currently unknown. In summary, the available evidence is currently insufficient to determine the role of this variant in disease. Therefore, it has been classified as a Variant of Uncertain Significance.

NM_005859.5(PURA):c.6G>C (p.Ala2=)

Gene: PURA (purine rich element binding protein A; plus strand). Cytogenetic location: 5q31.3.
Variant type: single nucleotide variant.
Coding change: c.6G>C on transcript NM_005859.5 (MANE Select); coding-DNA position 6, G replaced by C.
Protein change: p.Ala2=; no amino-acid change (alanine 2 retained).
Molecular consequence: synonymous variant.
Genome position (GRCh38, 1-based): chr5:140,114,187, G>C. VCF-style: chr5-140114187-G-C. GRCh37 (hg19) VCF-style: chr5-139493772-G-C.
Identifiers: ClinVar variation 1994694 (VCV001994694.4), dbSNP rs1763034347, ClinGen allele CA446758010.